The following is an entry in ClinVar:

NM_021956.5(GRIK2):c.1527A>T (p.Lys509Asn)

Gene: GRIK2 (glutamate ionotropic receptor kainate type subunit 2; plus strand). Cytogenetic location: 6q16.3.
Variant type: single nucleotide variant.
Coding change: c.1527A>T on transcript NM_021956.5 (MANE Select); coding-DNA position 1527, A replaced by T.
Protein change: p.Lys509Asn; replaces lysine 509 with asparagine.
Molecular consequence: missense variant.
Genome position (GRCh38, 1-based): chr6:101,889,642, A>T. VCF-style: chr6-101889642-A-T. GRCh37 (hg19) VCF-style: chr6-102337517-A-T.
Other names: c.1527A>T, p.Lys509Asn (NM_001166247.1, NM_175768.3); short protein forms K509N.
Identifiers: ClinVar variation 3378155 (VCV003378155.1).

ClinVar aggregate classification (germline): Uncertain significance (1 of 4 stars; one submission).

Submission:

GeneDx
Classification: Uncertain significance. Last evaluated: 2024-05-09. Review status: criteria provided, single submitter. Criteria: GeneDx Variant Classification Process June 2021. Collection method: clinical testing. Allele origin: germline. Affected: yes.
Comment: Not observed at significant frequency in large population cohorts (gnomAD); In silico analysis supports that this missense variant has a deleterious effect on protein structure/function; Has not been previously published as pathogenic or benign to our knowledge